The following is an entry in ClinVar:

NM_000213.5(ITGB4):c.1937G>A (p.Arg646His)

Gene: ITGB4 (integrin subunit beta 4; plus strand). Cytogenetic location: 17q25.1.
Variant type: single nucleotide variant.
Coding change: c.1937G>A on transcript NM_000213.5 (MANE Select); coding-DNA position 1937, G replaced by A.
Protein change: p.Arg646His; replaces arginine 646 with histidine.
Molecular consequence: missense variant.
Genome position (GRCh38, 1-based): chr17:75,736,641, G>A. VCF-style: chr17-75736641-G-A. GRCh37 (hg19) VCF-style: chr17-73732722-G-A.
Other names: c.1937G>A, p.Arg646His (NM_001005619.2, NM_001005731.3, NM_001321123.2); short protein forms R646H.
Identifiers: ClinVar variation 3366610 (VCV003366610.1).

ClinVar aggregate classification (germline): Uncertain significance (1 of 4 stars; one submission).

gnomAD v4.1: 33 of 1,600,154 alleles (0.0021%); highest among the groups gnomAD compares: Admixed American, 0.0053%; no homozygotes.

Submission:

Women's Health and Genetics/Laboratory Corporation of America, LabCorp
Classification: Uncertain significance. Last evaluated: 2024-08-23. Review status: criteria provided, single submitter. Criteria: LabCorp Variant Classification Summary - May 2015. Collection method: clinical testing. Allele origin: germline.
Comment: Variant summary: ITGB4 c.1937G>A (p.Arg646His) results in a non-conservative amino acid change located in the Integrin beta subunit, tail domain (IPR012896) of the encoded protein sequence. Four of five in-silico tools predict a benign effect of the variant on protein function. The variant allele was found at a frequency of 2.2e-05 in 224456 control chromosomes. The available data on variant occurrences in the general population are insufficient to allow any conclusion about variant significance. To our knowledge, no occurrence of c.1937G>A in individuals affected with Junctional Epidermolysis Bullosa and no experimental evidence demonstrating its impact on protein function have been reported. No submitters have cited clinical-significance assessments for this variant to ClinVar. Based on the evidence outlined above, the variant was classified as uncertain significance.